The following is an entry in ClinVar:

ClinVar aggregate classification (germline): Likely benign. Review status: criteria provided, multiple submitters, no conflicts (2 of 4 stars). 2 submissions from 2 submitters: Likely benign (2). Last evaluated 2025-11-11.

Conditions:
Peroxisome biogenesis disorder, complementation group K (CGK). Identifiers: MedGen C1866257, MONDO:0800365.
PEX14-related disorder. Also called: PEX14-related condition.

Submissions (2):

PreventionGenetics, part of Exact Sciences
Classification: Likely benign for PEX14-related condition. Last evaluated: 2025-11-11. Review status: criteria provided, single submitter. Criteria: ACMG Guidelines, 2015. Collection method: clinical testing. Allele origin: germline.
Comment: This variant is classified as likely benign based on ACMG/AMP sequence variant interpretation guidelines (Richards et al. 2015 PMID: 25741868, with internal and published modifications).

Labcorp Genetics (formerly Invitae), Labcorp
Classification: Likely benign for Peroxisome biogenesis disorder, complementation group K. Last evaluated: 2025-07-02. Review status: criteria provided, single submitter. Criteria: Invitae Variant Classification Sherloc (09022015). Collection method: clinical testing. Allele origin: germline.

NM_004565.3(PEX14):c.37-9T>C

Gene: PEX14 (peroxisomal biogenesis factor 14; plus strand). Cytogenetic location: 1p36.22.
Variant type: single nucleotide variant.
Coding change: c.37-9T>C on transcript NM_004565.3 (MANE Select); 9 bases into the intron before coding-DNA position 37, T replaced by C.
Molecular consequence: intron variant.
Genome position (GRCh38, 1-based): chr1:10,495,265, T>C. VCF-style: chr1-10495265-T-C. GRCh37 (hg19) VCF-style: chr1-10555322-T-C.
Other names: c.37-9T>C (NM_004565.2).
Identifiers: ClinVar variation 2821741 (VCV002821741.4), dbSNP rs780963131, ClinGen allele CA2739272262.